The following is an entry in ClinVar:

ClinVar aggregate classification (germline): Uncertain significance. Review status: criteria provided, multiple submitters, no conflicts (2 of 4 stars). 8 submissions from 8 submitters: Uncertain significance (8). Last evaluated 2026-07-28.

Conditions:
Lethal Kniest-like syndrome (DDSH). Also called: Dyssegmental Dysplasia. Identifiers: Orphanet 1865, MedGen C1857100, MONDO:0009140, OMIM 224410.
Inborn genetic diseases. Identifiers: MedGen C0950123, MeSH D030342.

Allele frequency attached by ClinVar (database versions not stated): ExAC 0.00013; TOPMed 0.00035; gnomAD exomes 0.00009; ESP Exome Variant Server 0.00023; gnomAD 0.00032 and 0.00029.

Submissions (8):

GeneDx
Classification: Uncertain significance. Last evaluated: 2026-07-28. Review status: criteria provided, single submitter. Criteria: GeneDx Variant Classification Process June 2021. Collection method: clinical testing. Allele origin: germline.
Comment: In silico analysis supports that this missense variant has a deleterious effect on protein structure/function; Has not been previously published as pathogenic or benign to our knowledge

Labcorp Genetics (formerly Invitae), Labcorp
Classification: Uncertain significance. Last evaluated: 2025-11-17. Review status: criteria provided, single submitter. Criteria: Invitae Variant Classification Sherloc (09022015). Collection method: clinical testing. Allele origin: germline.
Comment: This sequence change replaces glycine, which is neutral and non-polar, with arginine, which is basic and polar, at codon 2475 of the HSPG2 protein (p.Gly2475Arg). This variant is present in population databases (rs142601663, gnomAD 0.1%). This variant has not been reported in the literature in individuals affected with HSPG2-related conditions. ClinVar contains an entry for this variant (Variation ID: 994623). An algorithm developed to predict the effect of missense changes on protein structure and function (PolyPhen-2) suggests that this variant is likely to be disruptive. In summary, the available evidence is currently insufficient to determine the role of this variant in disease. Therefore, it has been classified as a Variant of Uncertain Significance.

Blueprint Genetics
Classification: Uncertain significance. Last evaluated: 2024-11-07. Review status: criteria provided, single submitter. Criteria: ACMG Guidelines, 2015. Collection method: clinical testing. Allele origin: germline.

Baylor Genetics
Classification: Uncertain significance for Lethal Kniest-like syndrome. Last evaluated: 2023-04-27. Review status: criteria provided, single submitter. Criteria: ACMG Guidelines, 2015. Collection method: clinical testing. Allele origin: unknown.

Ambry Genetics
Classification: Uncertain significance for Inborn genetic diseases. Last evaluated: 2021-05-21. Review status: criteria provided, single submitter. Criteria: Ambry Variant Classification Scheme 2023. Collection method: clinical testing. Allele origin: germline.

Athena Diagnostics
Classification: Uncertain significance. Last evaluated: 2019-12-31. Review status: criteria provided, single submitter. Criteria: Athena Diagnostics Criteria. Collection method: clinical testing. Allele origin: unknown.

Revvity Omics, Revvity
Classification: Uncertain significance. Last evaluated: 2019-11-19. Review status: criteria provided, single submitter. Criteria: ACMG Guidelines, 2015. Collection method: clinical testing. Allele origin: germline.

Breakthrough Genomics
Classification: Uncertain significance. Review status: criteria provided, single submitter. Criteria: ACMG Guidelines, 2015. Collection method: not provided. Allele origin: germline. Inheritance: Autosomal recessive inheritance. Affected: yes.

NM_005529.7(HSPG2):c.7423G>C (p.Gly2475Arg)

Gene: HSPG2 (heparan sulfate proteoglycan 2; minus strand). Cytogenetic location: 1p36.12.
Variant type: single nucleotide variant.
Coding change: c.7423G>C on transcript NM_005529.7 (MANE Select); coding-DNA position 7423, G replaced by C.
Protein change: p.Gly2475Arg; replaces glycine 2475 with arginine.
Molecular consequence: missense variant.
Genome position (GRCh38, 1-based): chr1:21,850,064, C>G on the plus strand (G>C on the coding strand, the complement: HSPG2 is on the minus strand). VCF-style: chr1-21850064-C-G. GRCh37 (hg19) VCF-style: chr1-22176557-C-G.
Other names: c.7426G>C, p.Gly2476Arg (NM_001291860.2); short protein forms G2475R, G2476R.
Identifiers: ClinVar variation 994623 (VCV000994623.15), dbSNP rs142601663, ClinGen allele CA671193.